The following is an entry in ClinVar:

NM_000222.3(KIT):c.2407G>A (p.Gly803Ser)

Gene: KIT (KIT proto-oncogene, receptor tyrosine kinase; plus strand). Cytogenetic location: 4q12.
Variant type: single nucleotide variant.
Coding change: c.2407G>A on transcript NM_000222.3 (MANE Select); coding-DNA position 2407, G replaced by A.
Protein change: p.Gly803Ser; replaces glycine 803 with serine.
Molecular consequence: missense variant.
Genome position (GRCh38, 1-based): chr4:54,733,115, G>A. VCF-style: chr4-54733115-G-A. GRCh37 (hg19) VCF-style: chr4-55599281-G-A.
Other names: c.2395G>A, p.Gly799Ser (NM_001093772.2, NM_001385292.1); c.2410G>A, p.Gly804Ser (NM_001385284.1); c.2404G>A, p.Gly802Ser (NM_001385285.1); c.2392G>A, p.Gly798Ser (NM_001385286.1); c.2398G>A, p.Gly800Ser (NM_001385288.1); c.2407G>A, p.Gly803Ser (NM_001385290.1); short protein forms G799S, G798S, G804S, G800S, G802S, G803S.
Identifiers: ClinVar variation 3677031 (VCV003677031.2).

ClinVar aggregate classification (germline): Uncertain significance (1 of 4 stars; one submission).

Conditions:
Gastrointestinal stromal tumor. Also called: Gastrointestinal stromal tumor, somatic; Gastrointestinal stroma tumor. Identifiers: Orphanet 44890, MedGen C0238198, MeSH D046152, MONDO:0011719, OMIM 606764, HP:0100723.

Submission:

Labcorp Genetics (formerly Invitae), Labcorp
Classification: Uncertain significance for Gastrointestinal stromal tumor. Last evaluated: 2025-01-19. Review status: criteria provided, single submitter. Criteria: Invitae Variant Classification Sherloc (09022015). Collection method: clinical testing. Allele origin: germline.
Comment: This sequence change replaces glycine, which is neutral and non-polar, with serine, which is neutral and polar, at codon 803 of the KIT protein (p.Gly803Ser). This variant is not present in population databases (gnomAD no frequency). This missense change has been observed in individual(s) with breast cancer (PMID: 32994724). An algorithm developed to predict the effect of missense changes on protein structure and function (PolyPhen-2) suggests that this variant is likely to be disruptive. In summary, the available evidence is currently insufficient to determine the role of this variant in disease. Therefore, it has been classified as a Variant of Uncertain Significance.

Literature cited by the submitters: PubMed 32994724.